The following is an entry in ClinVar:

ClinVar aggregate classification (germline): Uncertain significance. Review status: criteria provided, multiple submitters, no conflicts (2 of 4 stars). 2 submissions from 2 submitters: Uncertain significance (2). Last evaluated 2025-08-04.

Conditions:
Bardet-Biedl syndrome (BBS). Identifiers: Orphanet 110, MedGen C0752166, MONDO:0015229.
Inborn genetic diseases. Identifiers: MedGen C0950123, MeSH D030342.

Allele frequency attached by ClinVar (database versions not stated): gnomAD exomes below 0.00001; ExAC 0.00001; gnomAD 0.00001; TOPMed 0.00001.
gnomAD v4.1: 5 of 1,613,834 alleles (0.00031%); highest among the groups gnomAD compares: African/African-American, 0.004%; no homozygotes.

Submissions (2):

Ambry Genetics
Classification: Uncertain significance for Inborn genetic diseases. Last evaluated: 2025-08-04. Review status: criteria provided, single submitter. Criteria: Ambry Variant Classification Scheme 2023. Collection method: clinical testing. Allele origin: germline.

Labcorp Genetics (formerly Invitae), Labcorp
Classification: Uncertain significance for Bardet-Biedl syndrome. Last evaluated: 2025-07-07. Review status: criteria provided, single submitter. Criteria: Invitae Variant Classification Sherloc (09022015). Collection method: clinical testing. Allele origin: germline.
Comment: This sequence change replaces lysine, which is basic and polar, with glutamic acid, which is acidic and polar, at codon 146 of the BBS7 protein (p.Lys146Glu). This variant is present in population databases (rs778229076, gnomAD 0.01%). This variant has not been reported in the literature in individuals affected with BBS7-related conditions. ClinVar contains an entry for this variant (Variation ID: 2124265). Invitae Evidence Modeling of protein sequence and biophysical properties (such as structural, functional, and spatial information, amino acid conservation, physicochemical variation, residue mobility, and thermodynamic stability) indicates that this missense variant is not expected to disrupt BBS7 protein function with a negative predictive value of 80%. In summary, the available evidence is currently insufficient to determine the role of this variant in disease. Therefore, it has been classified as a Variant of Uncertain Significance.

NM_176824.3(BBS7):c.436A>G (p.Lys146Glu)

Gene: BBS7 (Bardet-Biedl syndrome 7; minus strand). Cytogenetic location: 4q27.
Variant type: single nucleotide variant.
Coding change: c.436A>G on transcript NM_176824.3 (MANE Select); coding-DNA position 436, A replaced by G.
Protein change: p.Lys146Glu; replaces lysine 146 with glutamic acid.
Molecular consequence: missense variant.
Genome position (GRCh38, 1-based): chr4:121,859,084, T>C on the plus strand (A>G on the coding strand, the complement: BBS7 is on the minus strand). VCF-style: chr4-121859084-T-C. GRCh37 (hg19) VCF-style: chr4-122780239-T-C.
Other names: c.436A>G, p.Lys146Glu (NM_018190.4); c.436A>G (NM_176824.2); short protein forms K146E.
Identifiers: ClinVar variation 2124265 (VCV002124265.3), dbSNP rs778229076, ClinGen allele CA3064509.